The following is an entry in ClinVar:

ClinVar aggregate classification (germline): Pathogenic/Likely pathogenic. Review status: criteria provided, multiple submitters, no conflicts (2 of 4 stars). 9 submissions from 9 submitters: Pathogenic (5); Likely pathogenic (4). Last evaluated 2025-10-13.

Conditions:
Cardiovascular phenotype. Identifiers: MedGen CN230736.
TTN-related myopathy. Identifiers: MedGen CN294812, MONDO:0100175.
TTN-related disorder. Also called: TTN-related condition; TTN-related disease; TTN-related disorders.
Primary familial dilated cardiomyopathy (FDC). Also called: Familial dilated cardiomyopathy; Hypokinetic dilated cardiomyopathy, familial. Identifiers: Orphanet 217607, MedGen C0340427, MONDO:0016333.
Autosomal recessive limb-girdle muscular dystrophy type 2J (LGMDR10). Also called: MUSCULAR DYSTROPHY, LIMB-GIRDLE, AUTOSOMAL RECESSIVE 10; Limb-girdle muscular dystrophy, type 2J. Identifiers: Orphanet 140922, MedGen C1837342, MONDO:0012127, OMIM 608807.
Dilated cardiomyopathy 1G (CMD1G). Identifiers: Orphanet 154, MedGen C1858763, MONDO:0011400, OMIM 604145.

Submissions 1 to 7 of 9:

Mayo Clinic Laboratories, Mayo Clinic
Classification: Likely pathogenic. Last evaluated: 2025-10-13. Review status: criteria provided, single submitter. Criteria: ACMG Guidelines, 2015. Collection method: clinical testing. Allele origin: germline. Observed: 1 variant allele.
Comment: PM2_supporting, PVS1

Labcorp Genetics (formerly Invitae), Labcorp
Classification: Pathogenic for Dilated cardiomyopathy 1G; Autosomal recessive limb-girdle muscular dystrophy type 2J. Last evaluated: 2025-09-28. Review status: criteria provided, single submitter. Criteria: Invitae Variant Classification Sherloc (09022015). Collection method: clinical testing. Allele origin: germline.
Comment: This sequence change creates a premature translational stop signal (p.Glu18038Argfs*47) in the TTN gene. While this is not anticipated to result in nonsense mediated decay, it is expected to create a truncated TTN protein. This variant is not present in population databases (gnomAD no frequency). This premature translational stop signal has been observed in individuals with clinical features of TTN-related conditions (PMID: 31514951; internal data). ClinVar contains an entry for this variant (Variation ID: 202452). This variant is located in the A band of TTN (PMID: 25589632). Truncating variants in this region are significantly overrepresented in patients affected with dilated cardiomyopathy (PMID: 25589632). Truncating variants in this region have also been reported in individuals affected with autosomal recessive centronuclear myopathy (PMID: 23975875). For these reasons, this variant has been classified as Pathogenic.

Variantyx, Inc.
Classification: Pathogenic for Dilated cardiomyopathy 1G. Last evaluated: 2025-07-28. Review status: criteria provided, single submitter. Criteria: Variantyx Assertion Criteria 2022. Collection method: clinical testing. Allele origin: germline. Inheritance: Autosomal dominant inheritance. Affected: yes.
Comment: This is a frameshift variant in the TTN gene (OMIM: 188840). Pathogenic variants in this gene have been associated with autosomal dominant dilated cardiomyopathy 1G. This variant introduces a premature termination codon in exon 280 out of 363 and is expected to result in loss of function, which is a known disease mechanism for TTN in this disorder (PMID: 27869827, 33226272) (PVS1). Truncating variants in the A-band region of this gene are significantly overrepresented in individuals affected with dilated cardiomyopathy (PMID: 25589632). This variant has been reported in several unrelated affected individuals (PMID: 31514951) (PS4). It has a 0.0004% maximum allele frequency in non-founder control populations (PM2). Based on the current evidence, this variant is classified as pathogenic for autosomal dominant dilated cardiomyopathy 1G.

Women's Health and Genetics/Laboratory Corporation of America, LabCorp
Classification: Likely pathogenic for Primary familial dilated cardiomyopathy. Last evaluated: 2025-02-18. Review status: criteria provided, single submitter. Criteria: LabCorp Variant Classification Summary - May 2015. Collection method: clinical testing. Allele origin: germline.
Comment: Variant summary: TTN c.46408delG (p.Glu15470ArgfsX47) (also known as NM_001267559: c.54112delG (p.Glu18038ArgfsX47)) results in a premature termination codon, predicted to cause a truncation of the encoded protein or absence of the protein due to nonsense mediated decay, which are commonly known mechanisms for disease. Loss of function variants in all TTN bands are strongly associated with a spectrum of autosomal recessive titinopathies when exon expression (proportion spliced in, PSI, 1=complete expression) in skeletal muscle is >0.1 (PMID: 36977548, 39198997, 29598826, 32778822, 29691892, 33449170, 36977548, internal data). In contrast, loss of function variants in all TTN bands are only strongly associated with autosomal dominant TTN-related cardiomyopathies if located in exons constitutively expressed (PSI >0.9) in cardiac muscle, excluding extreme C-terminal exons 359-363 (PMID: 25589632, 31216868, 32964742, 34662387, 27869827, Shetty et al., Nat Cardiovasc Res 2024,, internal data). This variant has a maximum skeletal muscle PSI of 0.97 and a maximum cardiac muscle PSI of 1.0. The variant was absent in 247628 control chromosomes. c.46408delG has been reported in the literature in individuals affected with Dilated Cardiomyopathy and/or TTN-related conditions (e.g. Gigli_2020, Patel_2022, Labcorp (formerly Invitae)). These data indicate that the variant may be associated with disease. To our knowledge, no experimental evidence demonstrating an impact on protein function has been reported. The following publications have been ascertained in the context of this evaluation (PMID: 31514951, 35544052). ClinVar contains an entry for this variant (Variation ID: 202452). Based on the evidence outlined above, the variant was classified as likely pathogenic for both autosomal dominant and autosomal recessive TTN-related conditions.

Ambry Genetics
Classification: Pathogenic for Cardiovascular phenotype. Last evaluated: 2024-12-18. Review status: criteria provided, single submitter. Criteria: Ambry Variant Classification Scheme 2023. Collection method: clinical testing. Allele origin: germline.
Comment: The c.26917delG variant, located in coding exon 107 of the TTN gene, results from a deletion of one nucleotide at nucleotide position 26917, causing a translational frameshift with a predicted alternate stop codon (p.E8973Rfs*47). This exon is located in the A-band region of the N2-B isoform of the titin protein and is constitutively expressed in TTN transcripts (percent spliced in or PSI 100%). This variant has been reported (as NM_001267550.2:c.54112delG p.E18038Rfs*47) in an individual with dilated cardiomyopathy (DCM) (Gigli M et al. J Am Coll Cardiol, 2019 09;74:1480-1490). This alteration is expected to result in loss of function by premature protein truncation or nonsense-mediated mRNA decay. While truncating variants in TTN are present in 1-3% of the general population, truncating variants in the A-band are the most common cause of dilated cardiomyopathy (DCM) (Herman DS et al. N. Engl. J. Med., 2012 Feb;366:619-28; Roberts AM et al. Sci Transl Med, 2015 Jan;7:270ra6). TTN truncating variants encoded in constitutive exons (PSI >90%) have been found to be significantly associated with DCM regardless of their position in titin (Schafer S et al. Nat. Genet., 2017 01;49:46-53). This variant is considered to be rare based on population cohorts in the Genome Aggregation Database (gnomAD). Based on the supporting evidence, this alteration is interpreted as a disease-causing mutation.

Blueprint Genetics
Classification: Likely pathogenic for TTN-related disorders. Last evaluated: 2024-02-23. Review status: criteria provided, single submitter. Criteria: ACMG Guidelines, 2015. Collection method: clinical testing. Allele origin: germline. Affected: yes. Observed: 1 variant allele.

ARUP Laboratories, Molecular Genetics and Genomics, ARUP Laboratories
Classification: Pathogenic. Last evaluated: 2022-03-24. Review status: criteria provided, single submitter. Criteria: ARUP Molecular Germline Variant Investigation Process 2021. Collection method: clinical testing. Allele origin: germline.
Comment: The TTN c.54112del, p.Glu18038ArgfsTer47 variant (rs794729325) has been previously identified in a single individual included in a cohort of dilated cardiomyopathy patients (Gigli 2019). It has also been identified in persons referred for testing as described in ClinVar (Variation ID: 202452). This variant is absent from general population databases (Exome Variant Server, Genome Aggregation Database), indicating it is not a common polymorphism. This variant causes a frameshift in exon 281 by deleting a single nucleotide, so it is predicted to result in a truncated protein or mRNA subject to nonsense-mediated decay. Exon 281 is spliced into 100% of TTN transcripts and encodes a segment of the A-band, a critical region of the TTN protein that interacts with myosin and which is disproportionately enriched with truncating variants in individuals affected with dilated cardiomyopathy (Roberts 2015, Schafer 2017). Based on available information, the p.Glu18038ArgfsTer47 variant is considered to be pathogenic. References: Gigli M et al. Genetic Risk of Arrhythmic Phenotypes in Patients With Dilated Cardiomyopathy. J Am Coll Cardiol. 2019 Sep 17;74(11):1480-1490. PMID: 31514951 Roberts AM et al. Integrated allelic, transcriptional, and phenomic dissection of the cardiac effects of titin truncations in health and disease. Sci Transl Med. 2015; 7(270): 270ra6. PMID: 25589632. Schafer S et al. Titin-truncating variants affect heart function in disease cohorts and the general population. Nat Genet. 2017;49(1):46-53. PMID: 27869827. Begay RL et al. Role of Titin Missense Variants in Dilated Cardiomyopathy. J Am Heart Assoc. 2015 Nov 13;4(11). PMID: 26567375. Herman DS et al. Truncations of titin causing dilated cardiomyopathy. N Engl J Med. 2012 Feb 16;366(7):619-28. PMID: 22335739. Linke WA and Hamdani N. Gigantic business: titin properties and function through thick and thin. Circ Res 2014; 114(6): 1052-1068. PMID: 24625729.

NM_001267550.2(TTN):c.54112del (p.Glu18038fs)

Genes: TTN-AS1 (TTN antisense RNA 1; plus strand), TTN (titin; minus strand). Cytogenetic location: 2q31.2.
Variant type: Deletion.
Coding change: c.54112del on transcript NM_001267550.2 (MANE Select); coding-DNA position 54112, one base deleted (G; older notation c.54112delG).
Protein change: p.Glu18038fs; shifts the reading frame from glutamic acid 18038.
Molecular consequence: frameshift variant. On other transcripts: non-coding transcript variant (1).
Genome position (GRCh38, 1-based): chr2:178,605,065, C deleted on the plus strand (G on the coding strand, the reverse complement: TTN is on the minus strand); the first of 3 consecutive C bases (chr2:178,605,065-178,605,067); deleting any one gives the same sequence. VCF-style (leftmost placement, unchanged base first): chr2-178605064-TC-T. GRCh37 (hg19) VCF-style: chr2-179469791-TC-T.
Other names: p.Glu16397Argfs*47; c.54112delG (NM_001267550.2, NM_001267550.1); c.49189del, p.Glu16397fs (NM_001256850.1); c.26917del, p.Glu8973fs (NM_003319.4); c.46408del, p.Glu15470fs (NM_133378.4); c.27292del, p.Glu9098fs (NM_133432.3); c.27493del, p.Glu9165fs (NM_133437.4); c.46408delG (NM_133378.4); and 2 more; short protein forms E16397fs, E18038fs, E9098fs, E9165fs, E15470fs, E8973fs.
Identifiers: ClinVar variation 202452 (VCV000202452.19), dbSNP rs794729325, ClinGen allele CA309412.